The following is an entry in ClinVar:

NM_001083961.2(WDR62):c.3514+44G>A

Gene: WDR62 (WD repeat domain 62; plus strand). Cytogenetic location: 19q13.12.
Variant type: single nucleotide variant.
Coding change: c.3514+44G>A on transcript NM_001083961.2 (MANE Select); 44 bases into the intron after coding-DNA position 3514, G replaced by A.
Molecular consequence: intron variant.
Genome position (GRCh38, 1-based): chr19:36,103,251, G>A. VCF-style: chr19-36103251-G-A. GRCh37 (hg19) VCF-style: chr19-36594153-G-A.
Other names: c.3499+44G>A (NM_173636.5).
Identifiers: ClinVar variation 160288 (VCV000160288.7), dbSNP rs45468494, ClinGen allele CA173933.
Genomic context (GRCh38, chr19:36,103,251, plus strand): 5'-GGCCTGGCGCCCACCACGTGAGTGCCCCAGTCCCAGACGGACAGTCCTGGGTTTCTCGGC[G>A]AGTGGCCGGATGTCCAGCCTAGCTGTGGGGCGTGGGGGCCCTAGCCATCAGTTCTGTGTG-3'

ClinVar aggregate classification (germline): Benign. Review status: criteria provided, multiple submitters, no conflicts (2 of 4 stars). 3 submissions from 3 submitters: Benign (2). 1 of the submissions does not count toward it. Last evaluated 2018-06-14.

Allele frequency attached by ClinVar (database versions not stated): gnomAD 0.03042 and 0.03274; TOPMed 0.03094; ESP Exome Variant Server 0.03106; 1000 Genomes Project 30x 0.04731; 1000 Genomes Project 0.04972.

Submissions (3):

GeneDx
Classification: Benign. Last evaluated: 2018-06-14. Review status: criteria provided, single submitter. Criteria: GeneDx Variant Classification (06012015). Collection method: clinical testing. Allele origin: germline. Affected: yes.
Comment: This variant is considered likely benign or benign based on one or more of the following criteria: it is a conservative change, it occurs at a poorly conserved position in the protein, it is predicted to be benign by multiple in silico algorithms, and/or has population frequency not consistent with disease.

Breakthrough Genomics
Classification: Benign. Review status: criteria provided, single submitter. Criteria: ACMG Guidelines, 2015. Collection method: not provided. Allele origin: germline. Inheritance: Autosomal recessive inheritance. Affected: yes.

Genetic Services Laboratory, University of Chicago
Classification: Likely benign. Review status: no assertion criteria provided. Collection method: clinical testing. Allele origin: germline. Inheritance: Autosomal recessive inheritance. Not counted in ClinVar's aggregate classification.
Comment: Likely benign based on allele frequency in 1000 Genomes Project or ESP global frequency and its presence in a patient with a rare or unrelated disease phenotype. NOT Sanger confirmed